The following is an entry in ClinVar:

ClinVar aggregate classification (germline): Uncertain significance (1 of 4 stars; one submission).

Conditions:
Hereditary spastic paraplegia 47. Also called: CEREBRAL PALSY, SPASTIC QUADRIPLEGIC, 5; Spastic paraplegia 47, autosomal recessive; adaptor protein 4 (AP-4) deficiency syndrome. Identifiers: Orphanet 280763, MedGen C3279738, MONDO:0013551, OMIM 614066.

Submission:

Labcorp Genetics (formerly Invitae), Labcorp
Classification: Uncertain significance for Hereditary spastic paraplegia 47. Last evaluated: 2023-08-06. Review status: criteria provided, single submitter. Criteria: Invitae Variant Classification Sherloc (09022015). Collection method: clinical testing. Allele origin: germline.
Comment: In summary, the available evidence is currently insufficient to determine the role of this variant in disease. Therefore, it has been classified as a Variant of Uncertain Significance. Advanced modeling of protein sequence and biophysical properties (such as structural, functional, and spatial information, amino acid conservation, physicochemical variation, residue mobility, and thermodynamic stability) performed at Invitae indicates that this missense variant is not expected to disrupt AP4B1 protein function. This variant has not been reported in the literature in individuals affected with AP4B1-related conditions. This variant is not present in population databases (gnomAD no frequency). This sequence change replaces lysine, which is basic and polar, with arginine, which is basic and polar, at codon 14 of the AP4B1 protein (p.Lys14Arg).

NM_001253852.3(AP4B1):c.41A>G (p.Lys14Arg)

Genes: AP4B1 (adaptor related protein complex 4 subunit beta 1; minus strand), DCLRE1B (DNA cross-link repair 1B; plus strand), LOC129931235 (ATAC-STARR-seq lymphoblastoid active region 1540; plus strand). Cytogenetic location: 1p13.2.
Variant type: single nucleotide variant.
Coding change: c.41A>G on transcript NM_001253852.3 (MANE Select); coding-DNA position 41, A replaced by G.
Protein change: p.Lys14Arg; replaces lysine 14 with arginine.
Molecular consequence: missense variant. On other transcripts: 5 prime UTR variant (2).
Genome position (GRCh38, 1-based): chr1:113,904,677, T>C on the plus strand (A>G on the coding strand, the complement: AP4B1 is on the minus strand). VCF-style: chr1-113904677-T-C. GRCh37 (hg19) VCF-style: chr1-114447299-T-C.
Other names: c.41A>G, p.Lys14Arg (NM_001438373.1, NM_001438374.1, NM_001438375.1 and 7 more transcripts); c.-362T>C (NM_001319947.2); c.-129A>G (NM_001253853.3); short protein forms K14R.
Identifiers: ClinVar variation 2783172 (VCV002783172.3), dbSNP rs2526691325, ClinGen allele CA341694119.